The following is an entry in ClinVar:

ClinVar aggregate classification (germline): Pathogenic. Review status: criteria provided, multiple submitters, no conflicts (2 of 4 stars). 6 submissions from 6 submitters: Pathogenic (5). 1 of the submissions does not count toward it. Last evaluated 2024-11-18.

Conditions:
Pheochromocytoma. Also called: MAX-Related Hereditary Paraganglioma-Pheochromocytoma Syndrome. Identifiers: Orphanet 29072, MedGen C0031511, MONDO:0008233, OMIM 171300, HP:0002666.
Cowden syndrome 3 (CWS3). Identifiers: Orphanet 201, MedGen CN166604, MONDO:0014045.
Carney-Stratakis syndrome. Also called: PARAGANGLIOMA AND GASTROINTESTINAL STROMAL TUMOR. Identifiers: Orphanet 97286, MedGen C1847319, MONDO:0011740, OMIM 606864.
Paragangliomas with sensorineural hearing loss. Identifiers: MedGen C1868633.
Hereditary cancer-predisposing syndrome. Also called: Tumor predisposition; Hereditary neoplastic syndrome; Hereditary Cancer Syndrome; Neoplastic Syndromes, Hereditary. Identifiers: Orphanet 140162, MedGen C0027672, MeSH D009386, MONDO:0015356.
Pheochromocytoma/paraganglioma syndrome 1. Also called: PARAGANGLIOMATA; PARAGANGLIOMAS, FAMILIAL NONCHROMAFFIN, 1; PGL 1; Paragangliomas familial 1; Paraganglioma - glomus jugulare; SDHD-Related Hereditary Paraganglioma-Pheochromocytoma Syndrome. Identifiers: Orphanet 29072, MedGen C3494181, MONDO:0008192, OMIM 168000.

Submissions (6):

Ambry Genetics
Classification: Pathogenic for Hereditary cancer-predisposing syndrome. Last evaluated: 2024-11-18. Review status: criteria provided, single submitter. Criteria: Ambry Variant Classification Scheme 2023. Collection method: clinical testing. Allele origin: germline.
Comment: The p.W43* pathogenic mutation (also known as c.129G>A) located in coding exon 2 of the SDHD gene, results from a G to A substitution at nucleotide position 129. This changes the amino acid from a tryptophan to a stop codon within coding exon 2. This variant has been identified in multiple individuals with a personal and/or family history of paragangliomas and/or pheochromocytomas (Cascon A et al. Eur. J. Hum. Genet. 2002 Aug; 10(8):457-61; Timmers HJ et al. Clin. Endocrinol. (Oxf). 2008 Apr;68:561-6). In addition to the clinical data presented in the literature, this alteration is expected to result in loss of function by premature protein truncation or nonsense-mediated mRNA decay. As such, this alteration is interpreted as a disease-causing mutation.

Molecular Pathology, Peter Maccallum Cancer Centre
Classification: Pathogenic for Pheochromocytoma/paraganglioma syndrome 1. Last evaluated: 2024-04-28. Review status: criteria provided, single submitter. Criteria: ACMG Guidelines, 2015. Collection method: clinical testing. Allele origin: germline. Inheritance: Autosomal dominant inheritance.

Myriad Genetics, Inc.
Classification: Pathogenic for Pheochromocytoma/paraganglioma syndrome 1. Last evaluated: 2023-03-29. Review status: criteria provided, single submitter. Criteria: Myriad Autosomal Dominant, Autosomal Recessive and X-Linked Classification Criteria (2023). Collection method: clinical testing. Allele origin: unknown.
Comment: This variant is considered pathogenic. This variant creates a termination codon and is predicted to result in premature protein truncation.

Labcorp Genetics (formerly Invitae), Labcorp
Classification: Pathogenic for Carney-Stratakis syndrome; Paragangliomas with sensorineural hearing loss; Pheochromocytoma; Cowden syndrome 3. Last evaluated: 2021-07-06. Review status: criteria provided, single submitter. Criteria: Invitae Variant Classification Sherloc (09022015). Collection method: clinical testing. Allele origin: germline.
Comment: This sequence change creates a premature translational stop signal (p.Trp43*) in the SDHD gene. It is expected to result in an absent or disrupted protein product. This variant is not present in population databases (ExAC no frequency). This variant has been reported to segregate with paraganglioma in a single family (PMID: 18211978) and also has been observed in unrelated individuals with paraganglioma (PMID: 12111639, 19454582, 18561749, 20098451) and gastrointestinal stromal tumor (PMID: 20098451). This variant has been described as a likely common cause of disease in the Spanish population (PMID: 19258401). ClinVar contains an entry for this variant (Variation ID: 6913). Loss-of-function variants in SDHD are known to be pathogenic (PMID: 19454582, 19802898). For these reasons, this variant has been classified as Pathogenic.

ARUP Laboratories, Molecular Genetics and Genomics, ARUP Laboratories
Classification: Pathogenic. Last evaluated: 2017-08-11. Review status: criteria provided, single submitter. Criteria: ARUP Molecular Germline Variant Investigation Process. Collection method: clinical testing. Allele origin: germline.
Comment: The SDHD c.129G>A, p.Trp43Ter variant (rs104894308) has been reported in multiple families with head and neck paraganglioma (Benn 2008, Cascon 2002, Timmers 2008), and segregating with affected individuals (Pigny 2008, Valesco 2005). It is listed as pathogenic in ClinVar (Variation ID: 6913), but not observed in the general population databases (1000 Genomes Project, Exome Variant Server, Genome Aggregation Database). The variant introduces a premature termination codon, and is predicted to result in a truncated protein or an absent transcript. Based on the above information, the variant is classified as pathogenic. References: Benn D et al. Clinical presentation and penetrance of pheochromocytoma/paraganglioma syndromes. J Clin Endocrinol Metab. 2006; 91(3):827-36. Cascon A et al. Identification of novel SDHD mutations in patients with phaeochromocytoma and/or paraganglioma. Eur J Hum Genet. 2002; 10(8):457-61. Pigny P et al. Paraganglioma after maternal transmission of a succinate dehydrogenase gene mutation. J Clin Endocrinol Metab. 2008; 93(5):1609-15. Timmers H et al. Mutations associated with succinate dehydrogenase D-related malignant paragangliomas. Clin Endocrinol (Oxf). 2008; 68(4):561-6. Velasco A et al. Mutation analysis of the SDHD gene in four kindreds with familial paraganglioma: description of one novel germline mutation. Diagn Mol Pathol. 2005; 14(2):109-14.

OMIM
Classification: Pathogenic for PHEOCHROMOCYTOMA/PARAGANGLIOMA SYNDROME 1. Last evaluated: 2008-05-01. Review status: no assertion criteria provided. Collection method: literature only. Allele origin: germline. Not counted in ClinVar's aggregate classification.

Literature cited by the submitters: PubMed 12111639 (cited by 3 submitters); PubMed 17973943 (cited by Ambry Genetics); PubMed 18561749 (cited by Ambry Genetics and Labcorp Genetics (formerly Invitae), Labcorp); PubMed 18211978 (cited by Labcorp Genetics (formerly Invitae), Labcorp and OMIM); PubMed 19454582 (cited by Labcorp Genetics (formerly Invitae), Labcorp); PubMed 20098451 (cited by Labcorp Genetics (formerly Invitae), Labcorp); PubMed 19258401 (cited by Labcorp Genetics (formerly Invitae), Labcorp); PubMed 19802898 (cited by Labcorp Genetics (formerly Invitae), Labcorp).

NM_003002.4(SDHD):c.129G>A (p.Trp43Ter)

Gene: SDHD (succinate dehydrogenase complex subunit D; plus strand). Cytogenetic location: 11q23.1.
Variant type: single nucleotide variant.
Coding change: c.129G>A on transcript NM_003002.4 (MANE Select); coding-DNA position 129, G replaced by A.
Protein change: p.Trp43Ter; replaces tryptophan 43 with a stop codon.
Molecular consequence: nonsense. On other transcripts: non-coding transcript variant (1), intron variant (1).
Genome position (GRCh38, 1-based): chr11:112,087,933, G>A. VCF-style: chr11-112087933-G-A. GRCh37 (hg19) VCF-style: chr11-111958657-G-A.
Other names: c.129G>A, p.Trp43Ter (NM_001276503.2, NM_001276506.2); c.53-934G>A (NM_001276504.2); short protein forms W43*.
Identifiers: ClinVar variation 6913 (VCV000006913.22), dbSNP rs104894308, ClinGen allele CA016785.
Genomic context (GRCh38, chr11:112,087,933, plus strand): 5'-TCCAGTGGTCAGACCTGCTCATATCTCAGCATTTCTTCAGGACCGACCTATCCCAGAATG[G>A]TGTGGAGTGCAGCACATACACTTGTCACCGAGCCACCATTGTATGTTCTCTCCATCGCTG-3'